The following is an entry in ClinVar:

ClinVar aggregate classification (germline): Uncertain significance. Review status: criteria provided, multiple submitters, no conflicts (2 of 4 stars). 5 submissions from 3 submitters: Uncertain significance (5). Last evaluated 2025-07-21.

Conditions:
Mastocytosis. Also called: Mast Cell Disease. Identifiers: Orphanet 98292, MedGen C0024899, MONDO:0007950, HP:0100495.
Gastrointestinal stromal tumor. Also called: Gastrointestinal stromal tumor, somatic; Gastrointestinal stroma tumor. Identifiers: Orphanet 44890, MedGen C0238198, MeSH D046152, MONDO:0011719, OMIM 606764, HP:0100723.
Piebaldism. Also called: Piebald skin depigmentation. Identifiers: Orphanet 2884, MedGen C0080024, MONDO:0008244, OMIM 172800, HP:0007544.

Submissions (5):

Labcorp Genetics (formerly Invitae), Labcorp
Classification: Uncertain significance for Gastrointestinal stromal tumor. Last evaluated: 2025-07-21. Review status: criteria provided, single submitter. Criteria: Invitae Variant Classification Sherloc (09022015). Collection method: clinical testing. Allele origin: germline.
Comment: This sequence change replaces aspartic acid, which is acidic and polar, with histidine, which is basic and polar, at codon 975 of the KIT protein (p.Asp975His). This variant is present in population databases (no rsID available, gnomAD 0.01%). This variant has not been reported in the literature in individuals affected with KIT-related conditions. ClinVar contains an entry for this variant (Variation ID: 348956). An algorithm developed to predict the effect of missense changes on protein structure and function (PolyPhen-2) suggests that this variant is likely to be disruptive. In summary, the available evidence is currently insufficient to determine the role of this variant in disease. Therefore, it has been classified as a Variant of Uncertain Significance.

Baylor Genetics
Classification: Uncertain significance for Gastrointestinal stromal tumor. Last evaluated: 2023-12-29. Review status: criteria provided, single submitter. Criteria: ACMG Guidelines, 2015. Collection method: clinical testing. Allele origin: unknown.

Illumina Laboratory Services, Illumina
Classification: Uncertain significance for Cutaneous mastocytosis. Last evaluated: 2018-01-12. Review status: criteria provided, single submitter. Criteria: ICSL Variant Classification Criteria 13 December 2019. Collection method: clinical testing. Allele origin: germline.

Illumina Laboratory Services, Illumina
Classification: Uncertain significance for Gastrointestinal stromal tumor. Last evaluated: 2018-01-12. Review status: criteria provided, single submitter. Criteria: ICSL Variant Classification Criteria 13 December 2019. Collection method: clinical testing. Allele origin: germline.

Illumina Laboratory Services, Illumina
Classification: Uncertain significance for Piebaldism. Last evaluated: 2018-01-12. Review status: criteria provided, single submitter. Criteria: ICSL Variant Classification Criteria 13 December 2019. Collection method: clinical testing. Allele origin: germline.

NM_000222.3(KIT):c.2923G>C (p.Asp975His)

Gene: KIT (KIT proto-oncogene, receptor tyrosine kinase; plus strand). Cytogenetic location: 4q12.
Variant type: single nucleotide variant.
Coding change: c.2923G>C on transcript NM_000222.3 (MANE Select); coding-DNA position 2923, G replaced by C.
Protein change: p.Asp975His; replaces aspartic acid 975 with histidine.
Molecular consequence: missense variant.
Genome position (GRCh38, 1-based): chr4:54,738,549, G>C. VCF-style: chr4-54738549-G-C. GRCh37 (hg19) VCF-style: chr4-55604715-G-C.
Other names: c.2911G>C, p.Asp971His (NM_001093772.2, NM_001385292.1); c.2926G>C, p.Asp976His (NM_001385284.1); c.2920G>C, p.Asp974His (NM_001385285.1); c.2908G>C, p.Asp970His (NM_001385286.1); c.2914G>C, p.Asp972His (NM_001385288.1); c.2923G>C, p.Asp975His (NM_001385290.1); short protein forms D975H, D971H, D970H, D972H, D974H, D976H.
Identifiers: ClinVar variation 348956 (VCV000348956.15), dbSNP rs373152714, ClinGen allele CA10617852.